The following is an entry in ClinVar:

ClinVar aggregate classification (germline): Likely pathogenic (1 of 4 stars; one submission).

Conditions:
COL2A1-related disorder. Also called: COL2A1-related condition; COL2A1-related disorders.

Submission:

PreventionGenetics, part of Exact Sciences
Classification: Likely pathogenic for COL2A1-related condition. Last evaluated: 2025-11-11. Review status: criteria provided, single submitter. Criteria: ACMG Guidelines, 2015. Collection method: clinical testing. Allele origin: germline.
Comment: The COL2A1 c.1033_1040del8 variant is predicted to result in a frameshift and premature protein termination (p.Gly345Trpfs*29). To our knowledge, this variant has not been reported in the literature or in a large population database (gnomAD), indicating this variant is rare. Frameshift variants in COL2A1 are expected to be pathogenic. This variant is interpreted as likely pathogenic.

NM_001844.5(COL2A1):c.1033_1040del (p.Gly345fs)

Gene: COL2A1 (collagen type II alpha 1 chain; minus strand). Cytogenetic location: 12q13.11.
Variant type: Deletion.
Coding change: c.1033_1040del on transcript NM_001844.5 (MANE Select); coding-DNA positions 1033 to 1040, 8 bases deleted (GGCAACGA; older notation c.1033_1040delGGCAACGA).
Protein change: p.Gly345fs; shifts the reading frame from glycine 345.
Molecular consequence: frameshift variant.
Genome position (GRCh38, 1-based): chr12:47,989,789-47,989,796, TCGTTGCC deleted on the plus strand (GGCAACGA on the coding strand, the reverse complement: COL2A1 is on the minus strand); deleting any 8 consecutive bases within chr12:47,989,789-47,989,799 gives the same sequence; the c. name uses the placement nearest the transcript's 3' end. VCF-style (leftmost placement, unchanged base first): chr12-47989788-ATCGTTGCC-A. GRCh37 (hg19) VCF-style: chr12-48383571-ATCGTTGCC-A.
Other names: c.826_833del, p.Gly276fs (NM_033150.3); short protein forms G276fs, G345fs.
Identifiers: ClinVar variation 4995177 (VCV004995177.1).